The following is an entry in ClinVar:

ClinVar aggregate classification (germline): Conflicting classifications of pathogenicity. Review status: criteria provided, conflicting classifications (1 of 4 stars). 2 submissions from 2 submitters: Uncertain significance (1); Likely benign (1). Last evaluated 2025-04-14.

Conditions:
Inborn genetic diseases. Identifiers: MedGen C0950123, MeSH D030342.
Meckel-Gruber syndrome. Also called: DYSENCEPHALIA SPLANCHNOCYSTICA; GRUBER SYNDROME; Dysencephalia splachnocystica. Identifiers: Orphanet 564, MedGen C0265215, MONDO:0018921.
Joubert syndrome. Also called: CEREBELLOPARENCHYMAL DISORDER IV; JOUBERT-BOLTSHAUSER SYNDROME; Familial aplasia of the vermis. Identifiers: Orphanet 475, MedGen C5979921, MONDO:0018772.

Allele frequency attached by ClinVar (database versions not stated): gnomAD exomes below 0.00001; ExAC 0.00001.
gnomAD v4.1: 1 of 1,614,024 alleles (0.000062%); highest among the groups gnomAD compares: East Asian, 0.0022%; no homozygotes.

Submissions (2):

Ambry Genetics
Classification: Likely benign for Inborn genetic diseases. Last evaluated: 2025-04-14. Review status: criteria provided, single submitter. Criteria: Ambry Variant Classification Scheme 2023. Collection method: clinical testing. Allele origin: germline.

Labcorp Genetics (formerly Invitae), Labcorp
Classification: Uncertain significance for Joubert syndrome; Meckel-Gruber syndrome. Last evaluated: 2021-09-24. Review status: criteria provided, single submitter. Criteria: Invitae Variant Classification Sherloc (09022015). Collection method: clinical testing. Allele origin: germline.
Comment: This sequence change replaces arginine with lysine at codon 749 of the RPGRIP1L protein (p.Arg749Lys). The arginine residue is highly conserved and there is a small physicochemical difference between arginine and lysine. This variant is present in population databases (rs774573573, ExAC 0.01%). This variant has not been reported in the literature in individuals with RPGRIP1L-related disease. Algorithms developed to predict the effect of missense changes on protein structure and function (SIFT, PolyPhen-2, Align-GVGD) all suggest that this variant is likely to be tolerated, but these predictions have not been confirmed by published functional studies and their clinical significance is uncertain. In summary, the available evidence is currently insufficient to determine the role of this variant in disease. Therefore, it has been classified as a Variant of Uncertain Significance.

NM_015272.5(RPGRIP1L):c.2246G>A (p.Arg749Lys)

Gene: RPGRIP1L (RPGRIP1 like; minus strand). Cytogenetic location: 16q12.2.
Variant type: single nucleotide variant.
Coding change: c.2246G>A on transcript NM_015272.5 (MANE Select); coding-DNA position 2246, G replaced by A.
Protein change: p.Arg749Lys; replaces arginine 749 with lysine.
Molecular consequence: missense variant.
Genome position (GRCh38, 1-based): chr16:53,649,022, C>T on the plus strand (G>A on the coding strand, the complement: RPGRIP1L is on the minus strand). VCF-style: chr16-53649022-C-T. GRCh37 (hg19) VCF-style: chr16-53682934-C-T.
Other names: c.2246G>A, p.Arg749Lys (NM_001127897.4, NM_001308334.3, NM_001330538.2); c.2246G>A (NM_015272.2); short protein forms R749K.
Identifiers: ClinVar variation 1501009 (VCV001501009.6), dbSNP rs774573573, ClinGen allele CA8057594.